The following is an entry in ClinVar:

NM_001267550.2(TTN):c.98826C>G (p.Asp32942Glu)

Genes: TTN (titin; minus strand), TTN-AS1 (TTN antisense RNA 1; plus strand). Cytogenetic location: 2q31.2.
Variant type: single nucleotide variant.
Coding change: c.98826C>G on transcript NM_001267550.2 (MANE Select); coding-DNA position 98826, C replaced by G.
Protein change: p.Asp32942Glu; replaces aspartic acid 32942 with glutamic acid.
Molecular consequence: missense variant. On other transcripts: non-coding transcript variant (1).
Genome position (GRCh38, 1-based): chr2:178,539,109, G>C on the plus strand (C>G on the coding strand, the complement: TTN is on the minus strand). VCF-style: chr2-178539109-G-C. GRCh37 (hg19) VCF-style: chr2-179403836-G-C.
Other names: p.D31301E:GAC>GAG; c.71631C>G, p.Asp23877Glu (NM_003319.4); c.91122C>G, p.Asp30374Glu (NM_133378.4); c.72006C>G, p.Asp24002Glu (NM_133432.3); c.72207C>G, p.Asp24069Glu (NM_133437.4); c.93903C>G, p.Asp31301Glu (NM_001256850.1); short protein forms D32942E, D31301E, D24069E, D24002E, D23877E.
Identifiers: ClinVar variation 96323 (VCV000096323.19), dbSNP rs190967471, ClinGen allele CA285784.

ClinVar aggregate classification (germline): Conflicting classifications of pathogenicity. Review status: criteria provided, conflicting classifications (1 of 4 stars). 8 submissions from 8 submitters: Uncertain significance (4); Likely benign (4). Last evaluated 2026-08-31.

Conditions:
TTN-related disorder. Also called: TTN-related disorders; TTN-related condition; TTN-related disease.
Cardiovascular phenotype. Identifiers: MedGen CN230736.
Dilated cardiomyopathy 1G (CMD1G). Identifiers: Orphanet 154, MedGen C1858763, MONDO:0011400, OMIM 604145.
Autosomal recessive limb-girdle muscular dystrophy type 2J (LGMDR10). Also called: Limb-girdle muscular dystrophy, type 2J; MUSCULAR DYSTROPHY, LIMB-GIRDLE, AUTOSOMAL RECESSIVE 10. Identifiers: Orphanet 140922, MedGen C1837342, MONDO:0012127, OMIM 608807.

Allele frequency attached by ClinVar (database versions not stated): gnomAD exomes 0.00002 and 0.00007; TOPMed 0.00027; 1000 Genomes Project 0.00040; ExAC 0.00010; gnomAD 0.00020 and 0.00021; ESP Exome Variant Server 0.00024; 1000 Genomes Project 30x 0.00047.
gnomAD v4.1: 58 of 1,613,746 alleles (0.0036%); highest among the groups gnomAD compares: African/African-American, 0.065%; no homozygotes.

Submissions (8):

PreventionGenetics, part of Exact Sciences
Classification: Uncertain significance for TTN-related condition. Last evaluated: 2026-08-31. Review status: criteria provided, single submitter. Criteria: ACMG Guidelines, 2015. Collection method: clinical testing. Allele origin: germline.
Comment: The TTN c.98826C>G variant is predicted to result in the amino acid substitution p.Asp32942Glu. To our knowledge, this variant has not been reported in the literature. This variant is reported in 0.099% of alleles in individuals of African descent in gnomAD. Although we suspect that this variant may be benign, at this time, the clinical significance of this variant is uncertain due to the absence of conclusive functional and genetic evidence.

Molecular Diagnostic Laboratory for Inherited Cardiovascular Disease, Montreal Heart Institute
Classification: Likely benign. Last evaluated: 2026-03-27. Review status: criteria provided, single submitter. Criteria: ACMG Guidelines, 2015. Collection method: clinical testing. Allele origin: germline. Affected: no.
Comment: BP1

Women's Health and Genetics/Laboratory Corporation of America, LabCorp
Classification: Likely benign. Last evaluated: 2021-05-03. Review status: criteria provided, single submitter. Criteria: LabCorp Variant Classification Summary - May 2015. Collection method: clinical testing. Allele origin: germline.
Comment: Variant summary: TTN c.91122C>G (p.Asp30374Glu) results in a conservative amino acid change located in the A-band region of the encoded protein sequence. Four of five in-silico tools predict a benign effect of the variant on protein function. The variant allele was found at a frequency of 6.8e-05 in 248738 control chromosomes, predominantly at a frequency of 0.00097 within the African or African-American subpopulation in the gnomAD database. The observed variant frequency within African or African-American control individuals in the gnomAD database is approximately 2.5- fold the estimated maximal expected allele frequency for a pathogenic variant in TTN causing Dilated Cardiomyopathy phenotype (0.00039), strongly suggesting that the variant is a benign polymorphism found primarily in populations of African or African-American origin. To our knowledge, no occurrence of c.91122C>G in individuals affected with Dilated Cardiomyopathy and no experimental evidence demonstrating its impact on protein function have been reported. Two clinical diagnostic laboratories have submitted clinical-significance assessments for this variant to ClinVar after 2014 without evidence for independent evaluation. Both laboratories cited the variant as uncertain significance. Based on the evidence outlined above, the variant was classified as likely benign.

Revvity Omics, Revvity
Classification: Uncertain significance. Last evaluated: 2019-06-21. Review status: criteria provided, single submitter. Criteria: ACMG Guidelines, 2015. Collection method: clinical testing. Allele origin: germline.

Ambry Genetics
Classification: Likely benign for Cardiovascular phenotype. Last evaluated: 2018-10-11. Review status: criteria provided, single submitter. Criteria: Ambry Variant Classification Scheme 2023. Collection method: clinical testing. Allele origin: germline.

GeneDx
Classification: Likely benign. Last evaluated: 2018-05-07. Review status: criteria provided, single submitter. Criteria: GeneDx Variant Classification Process June 2021. Collection method: clinical testing. Allele origin: germline. Affected: yes.

Labcorp Genetics (formerly Invitae), Labcorp
Classification: Uncertain significance for Dilated cardiomyopathy 1G; Autosomal recessive limb-girdle muscular dystrophy type 2J. Last evaluated: 2016-08-06. Review status: criteria provided, single submitter. Criteria: Invitae Variant Classification Sherloc (09022015). Collection method: clinical testing. Allele origin: germline.

Eurofins Ntd Llc (ga)
Classification: Uncertain significance. Last evaluated: 2013-07-26. Review status: criteria provided, single submitter. Criteria: EGL Classification Definitions 2015. Collection method: clinical testing. Allele origin: germline. Observed: 2 variant alleles, 2 heterozygotes.